The following is an entry in ClinVar:

ClinVar aggregate classification (germline): Likely pathogenic (1 of 4 stars; one submission).

Conditions:
Fetal akinesia deformation sequence 1 (FADS1). Also called: Pena-Shokeir syndrome type I; Fetal akinesia sequence. Identifiers: Orphanet 994, MedGen C1276035, MONDO:0100101, OMIM 208150, HP:0001989.
Congenital myasthenic syndrome 9. Also called: Myasthenic syndrome, congenital, 9, associated with acetylcholine receptor deficiency. Identifiers: Orphanet 590, MedGen C4225368, MONDO:0014587, OMIM 616325.

Submission:

Labcorp Genetics (formerly Invitae), Labcorp
Classification: Likely pathogenic for Congenital myasthenic syndrome 9; Fetal akinesia deformation sequence 1. Last evaluated: 2023-02-20. Review status: criteria provided, single submitter. Criteria: Invitae Variant Classification Sherloc (09022015). Collection method: clinical testing. Allele origin: germline.
Comment: This variant results in the deletion of part of exon 1 (c.29_80-3194del) of the MUSK gene. It is expected to disrupt RNA splicing. Variants that disrupt the donor or acceptor splice site typically lead to a loss of protein function (PMID: 16199547), and loss-of-function variants in MUSK are known to be pathogenic (PMID: 8653786, 25612909, 25695962, 25900532). This variant has not been reported in the literature in individuals affected with MUSK-related conditions. In summary, the currently available evidence indicates that the variant is pathogenic, but additional data are needed to prove that conclusively. Therefore, this variant has been classified as Likely Pathogenic.

Literature cited by the submitters: PubMed 16199547; PubMed 8653786; PubMed 25612909; PubMed 25695962; PubMed 25900532.

NC_000009.11:g.(?_113431213)_(113441760_?)del

Gene: MUSK (muscle associated receptor tyrosine kinase; plus strand). Cytogenetic location: 9q31.3.
Variant type: Deletion.
Identifiers: ClinVar variation 1514674 (VCV001514674.6).